The following is an entry in ClinVar:

ClinVar aggregate classification (germline): Benign. Review status: criteria provided, multiple submitters, no conflicts (2 of 4 stars). 4 submissions from 4 submitters: Benign (3). 1 of the submissions does not count toward it. Last evaluated 2024-11-27.

Conditions:
HEPHL1-related disorder. Also called: HEPHL1-related condition.
Pili torti-developmental delay-neurological abnormalities syndrome. Identifiers: Orphanet 2891, MedGen C1849811, MONDO:0009871, OMIM 261990.

Allele frequency attached by ClinVar (database versions not stated): 1000 Genomes Project 30x 0.90334; 1000 Genomes Project 0.91014; TOPMed 0.91689; ESP Exome Variant Server 0.92053; gnomAD 0.92177 and 0.92674; ExAC 0.97761; gnomAD exomes 0.98142 and 0.99309.
gnomAD v4.1: 1,591,269 of 1,612,948 alleles (99%); highest among the groups gnomAD compares: East Asian, 100%; 787,298 homozygotes.

Submissions (4):

Blueprint Genetics
Classification: Benign. Last evaluated: 2024-11-27. Review status: criteria provided, single submitter. Criteria: ACMG Guidelines, 2015. Collection method: clinical testing. Allele origin: germline.

Genome-Nilou Lab
Classification: Benign for Pili torti-developmental delay-neurological abnormalities syndrome. Last evaluated: 2021-08-10. Review status: criteria provided, single submitter. Criteria: ACMG Guidelines, 2015. Collection method: clinical testing. Allele origin: germline. Affected: no.

Breakthrough Genomics
Classification: Benign. Review status: criteria provided, single submitter. Criteria: ACMG Guidelines, 2015. Collection method: not provided. Allele origin: germline. Inheritance: Autosomal recessive inheritance. Affected: yes.

PreventionGenetics, part of Exact Sciences
Classification: Benign for HEPHL1-related condition. Last evaluated: 2019-11-06. Review status: no assertion criteria provided. Collection method: clinical testing. Allele origin: germline. Not counted in ClinVar's aggregate classification.
Comment: This variant is classified as benign based on ACMG/AMP sequence variant interpretation guidelines (Richards et al. 2015 PMID: 25741868, with internal and published modifications).

NM_001098672.2(HEPHL1):c.751A>G (p.Asn251Asp)

Gene: HEPHL1 (hephaestin like 1; plus strand). Cytogenetic location: 11q21.
Variant type: single nucleotide variant.
Coding change: c.751A>G on transcript NM_001098672.2 (MANE Select); coding-DNA position 751, A replaced by G.
Protein change: p.Asn251Asp; replaces asparagine 251 with aspartic acid.
Molecular consequence: missense variant.
Genome position (GRCh38, 1-based): chr11:94,064,453, A>G. VCF-style: chr11-94064453-A-G. GRCh37 (hg19) VCF-style: chr11-93797619-A-G.
Other names: short protein forms N251D.
Identifiers: ClinVar variation 1285336 (VCV001285336.6), dbSNP rs1945783, ClinGen allele CA6233049.